The following is an entry in ClinVar:

ClinVar aggregate classification (germline): Uncertain significance. Review status: criteria provided, multiple submitters, no conflicts (2 of 4 stars). 2 submissions from 2 submitters: Uncertain significance (2). Last evaluated 2025-06-27.

Allele frequency attached by ClinVar (database versions not stated): gnomAD below 0.00001 and 0.00001; gnomAD exomes 0.00006; TOPMed 0.00001; ExAC 0.00005.
gnomAD v4.1: 49 of 1,613,878 alleles (0.003%); highest among the groups gnomAD compares: South Asian, 0.052%; no homozygotes.

Submissions (2):

GeneDx
Classification: Uncertain significance. Last evaluated: 2025-06-27. Review status: criteria provided, single submitter. Criteria: GeneDx Variant Classification Process June 2021. Collection method: clinical testing. Allele origin: germline. Affected: yes.
Comment: In silico analysis suggests that this missense variant does not alter protein structure/function; Has not been previously published as pathogenic or benign to our knowledge

Laboratory for Molecular Medicine, Mass General Brigham Personalized Medicine
Classification: Uncertain significance. Last evaluated: 2015-05-03. Review status: criteria provided, single submitter. Criteria: LMM Criteria. Collection method: clinical testing. Allele origin: germline. Observed: 1 variant allele.
Comment: The p.Gly703Arg variant in MYO6 has not been previously reported in individuals with hearing loss, but it has been identified in 6/16512 South Asian chromosomes by the Exome Aggregation Consortium (ExAC). Alt hough this variant has been seen in the general population, its frequency is not high enough to rule out a pathogenic role. Computational prediction tools and c onservation analyses do not provide strong support for or against an impact to t he protein. In summary, the clinical significance of the p.Gly703Arg variant is uncertain.

NM_004999.4(MYO6):c.2107G>C (p.Gly703Arg)

Gene: MYO6 (myosin VI; plus strand). Cytogenetic location: 6q14.1.
Variant type: single nucleotide variant.
Coding change: c.2107G>C on transcript NM_004999.4 (MANE Select); coding-DNA position 2107, G replaced by C.
Protein change: p.Gly703Arg; replaces glycine 703 with arginine.
Molecular consequence: missense variant. On other transcripts: non-coding transcript variant (1).
Genome position (GRCh38, 1-based): chr6:75,879,849, G>C. VCF-style: chr6-75879849-G-C. GRCh37 (hg19) VCF-style: chr6-76589566-G-C.
Other names: c.2107G>C, p.Gly703Arg (NM_001300899.2, NM_001368136.1, NM_001368137.1 and 2 more transcripts); c.2092G>C, p.Gly698Arg (NM_001368138.1); short protein forms G703R, G698R.
Identifiers: ClinVar variation 228991 (VCV000228991.5), dbSNP rs753163582, ClinGen allele CA3897311.